The following is an entry in ClinVar:

ClinVar aggregate classification (germline): Uncertain significance (1 of 4 stars; one submission).

Allele frequency attached by ClinVar (database versions not stated): gnomAD 0.00001; gnomAD exomes 0.00001; ExAC 0.00002; TOPMed 0.00002.
gnomAD v4.1: 19 of 1,613,846 alleles (0.0012%); highest among the groups gnomAD compares: Middle Eastern, 0.016%; no homozygotes.

Submission:

Labcorp Genetics (formerly Invitae), Labcorp
Classification: Uncertain significance. Last evaluated: 2024-01-04. Review status: criteria provided, single submitter. Criteria: Invitae Variant Classification Sherloc (09022015). Collection method: clinical testing. Allele origin: germline.
Comment: This sequence change replaces asparagine, which is neutral and polar, with serine, which is neutral and polar, at codon 89 of the NFKB1 protein (p.Asn89Ser). This variant is present in population databases (rs763286279, gnomAD 0.003%). This variant has not been reported in the literature in individuals affected with NFKB1-related conditions. Advanced modeling of protein sequence and biophysical properties (such as structural, functional, and spatial information, amino acid conservation, physicochemical variation, residue mobility, and thermodynamic stability) performed at Invitae indicates that this missense variant is expected to disrupt NFKB1 protein function with a positive predictive value of 80%. In summary, the available evidence is currently insufficient to determine the role of this variant in disease. Therefore, it has been classified as a Variant of Uncertain Significance.

NM_003998.4(NFKB1):c.266A>G (p.Asn89Ser)

Gene: NFKB1 (nuclear factor kappa B subunit 1; plus strand). Cytogenetic location: 4q24.
Variant type: single nucleotide variant.
Coding change: c.266A>G on transcript NM_003998.4 (MANE Select); coding-DNA position 266, A replaced by G.
Protein change: p.Asn89Ser; replaces asparagine 89 with serine.
Molecular consequence: missense variant.
Genome position (GRCh38, 1-based): chr4:102,566,994, A>G. VCF-style: chr4-102566994-A-G. GRCh37 (hg19) VCF-style: chr4-103488151-A-G.
Other names: c.263A>G, p.Asn88Ser (NM_001165412.2, NM_001319226.2, NM_001382627.1); c.266A>G, p.Asn89Ser (NM_001382625.1, NM_001382626.1); c.224A>G, p.Asn75Ser (NM_001382628.1); short protein forms N75S, N88S, N89S.
Identifiers: ClinVar variation 3015337 (VCV003015337.3), dbSNP rs763286279, ClinGen allele CA3025854.